The following is an entry in ClinVar:

NM_001371904.1(APOA5):c.872A>T (p.Asp291Val)

Gene: APOA5 (apolipoprotein A5; minus strand). Cytogenetic location: 11q23.3.
Variant type: single nucleotide variant.
Coding change: c.872A>T on transcript NM_001371904.1 (MANE Select); coding-DNA position 872, A replaced by T.
Protein change: p.Asp291Val; replaces aspartic acid 291 with valine.
Molecular consequence: missense variant.
Genome position (GRCh38, 1-based): chr11:116,790,357, T>A on the plus strand (A>T on the coding strand, the complement: APOA5 is on the minus strand). VCF-style: chr11-116790357-T-A. GRCh37 (hg19) VCF-style: chr11-116661073-T-A.
Other names: c.872A>T, p.Asp291Val (NM_001166598.2, NM_052968.5); short protein forms D291V.
Identifiers: ClinVar variation 1764466 (VCV001764466.2), dbSNP rs1270779185, ClinGen allele CA382735344.

ClinVar aggregate classification (germline): Uncertain significance (1 of 4 stars; one submission).

Conditions:
Cardiovascular phenotype. Identifiers: MedGen CN230736.

Allele frequency attached by ClinVar (database versions not stated): gnomAD exomes below 0.00001; gnomAD 0.00001; TOPMed 0.00002.

Submission:

Ambry Genetics
Classification: Uncertain significance for Cardiovascular phenotype. Last evaluated: 2021-06-12. Review status: criteria provided, single submitter. Criteria: Ambry Variant Classification Scheme 2023. Collection method: clinical testing. Allele origin: germline.
Comment: The p.D291V variant (also known as c.872A>T), located in coding exon 3 of the APOA5 gene, results from an A to T substitution at nucleotide position 872. The aspartic acid at codon 291 is replaced by valine, an amino acid with highly dissimilar properties. This amino acid position is conserved. In addition, the in silico prediction for this alteration is inconclusive. Since supporting evidence is limited at this time, the clinical significance of this alteration remains unclear.